The following is an entry in ClinVar:

NM_004519.4(KCNQ3):c.4G>A (p.Gly2Arg)

Gene: KCNQ3 (potassium voltage-gated channel subfamily Q member 3; minus strand). Cytogenetic location: 8q24.22.
Variant type: single nucleotide variant.
Coding change: c.4G>A on transcript NM_004519.4 (MANE Select); coding-DNA position 4, G replaced by A.
Protein change: p.Gly2Arg; replaces glycine 2 with arginine.
Molecular consequence: missense variant.
Genome position (GRCh38, 1-based): chr8:132,480,529, C>T on the plus strand (G>A on the coding strand, the complement: KCNQ3 is on the minus strand). VCF-style: chr8-132480529-C-T. GRCh37 (hg19) VCF-style: chr8-133492776-C-T.
Other names: short protein forms G2R.
Identifiers: ClinVar variation 3016550 (VCV003016550.3), dbSNP rs2537399064, ClinGen allele CA372293088.

ClinVar aggregate classification (germline): Uncertain significance (1 of 4 stars; one submission).

Conditions:
Benign neonatal seizures. Also called: Benign familial neonatal epilepsy; Convulsions benign familial neonatal dominant form; Autosomal dominant form of benign neonatal seizures; Benign neonatal familial convulsions; Benign familial neonatal seizures. Identifiers: Orphanet 1949, MedGen C0220669, MONDO:0016027.

gnomAD v4.1: 1 of 1,241,958 alleles (0.000081%); highest among the groups gnomAD compares: South Asian, 0.0017%; no homozygotes.

Submission:

Labcorp Genetics (formerly Invitae), Labcorp
Classification: Uncertain significance for Benign neonatal seizures. Last evaluated: 2023-10-07. Review status: criteria provided, single submitter. Criteria: Invitae Variant Classification Sherloc (09022015). Collection method: clinical testing. Allele origin: germline.
Comment: This sequence change replaces glycine, which is neutral and non-polar, with arginine, which is basic and polar, at codon 2 of the KCNQ3 protein (p.Gly2Arg). This variant is not present in population databases (gnomAD no frequency). This variant has not been reported in the literature in individuals affected with KCNQ3-related conditions. Advanced modeling of protein sequence and biophysical properties (such as structural, functional, and spatial information, amino acid conservation, physicochemical variation, residue mobility, and thermodynamic stability) performed at Invitae indicates that this missense variant is not expected to disrupt KCNQ3 protein function. In summary, the available evidence is currently insufficient to determine the role of this variant in disease. Therefore, it has been classified as a Variant of Uncertain Significance.